The following is an entry in ClinVar:

NM_000057.4(BLM):c.1530A>T (p.Arg510Ser)

Gene: BLM (BLM RecQ like helicase; plus strand). Cytogenetic location: 15q26.1.
Variant type: single nucleotide variant.
Coding change: c.1530A>T on transcript NM_000057.4 (MANE Select); coding-DNA position 1530, A replaced by T.
Protein change: p.Arg510Ser; replaces arginine 510 with serine.
Molecular consequence: missense variant.
Genome position (GRCh38, 1-based): chr15:90,760,903, A>T. VCF-style: chr15-90760903-A-T. GRCh37 (hg19) VCF-style: chr15-91304133-A-T.
Other names: c.1530A>T, p.Arg510Ser (NM_001287246.2, NM_001287247.2); c.405A>T, p.Arg135Ser (NM_001287248.2); short protein forms R510S, R135S.
Identifiers: ClinVar variation 2851340 (VCV002851340.3), dbSNP rs2505426811, ClinGen allele CA393843259.
Genomic context (GRCh38, chr15:90,760,903, plus strand): 5'-TTTATTCAATACCCATTTACAGAAGTCCTTTGTAAGTAGCAACTGGGCTGAAACACCAAG[A>T]CTAGGAAAAAAAAATGAAAGCTCTTATTTCCCAGGAAATGTTCTCACAAGCACTGCTGTG-3'
Protein context (NP_000048.1, residues 500-520): FVSSNWAETP[Arg510Ser]LGKKNESSYF

ClinVar aggregate classification (germline): Uncertain significance (1 of 4 stars; one submission).

Conditions:
Bloom syndrome (BLM). Also called: Bloom-Torre-Machacek syndrome. Identifiers: Orphanet 125, MedGen C0005859, MONDO:0008876, OMIM 210900.

Submission:

Labcorp Genetics (formerly Invitae), Labcorp
Classification: Uncertain significance for Bloom syndrome. Last evaluated: 2023-04-01. Review status: criteria provided, single submitter. Criteria: Invitae Variant Classification Sherloc (09022015). Collection method: clinical testing. Allele origin: germline.
Comment: This sequence change replaces arginine, which is basic and polar, with serine, which is neutral and polar, at codon 510 of the BLM protein (p.Arg510Ser). This variant is not present in population databases (gnomAD no frequency). This variant has not been reported in the literature in individuals affected with BLM-related conditions. Advanced modeling of protein sequence and biophysical properties (such as structural, functional, and spatial information, amino acid conservation, physicochemical variation, residue mobility, and thermodynamic stability) performed at Invitae indicates that this missense variant is not expected to disrupt BLM protein function. In summary, the available evidence is currently insufficient to determine the role of this variant in disease. Therefore, it has been classified as a Variant of Uncertain Significance.